The following is an entry in ClinVar:

ClinVar aggregate classification (germline): Uncertain significance (1 of 4 stars; one submission).

gnomAD v4.1: 113 of 1,613,888 alleles (0.007%); highest among the groups gnomAD compares: East Asian, 0.091%; no homozygotes.

Submission:

Labcorp Genetics (formerly Invitae), Labcorp
Classification: Uncertain significance. Last evaluated: 2025-09-23. Review status: criteria provided, single submitter. Criteria: Invitae Variant Classification Sherloc (09022015). Collection method: clinical testing. Allele origin: germline.
Comment: This sequence change replaces arginine, which is basic and polar, with tryptophan, which is neutral and slightly polar, at codon 2013 of the FBN3 protein (p.Arg2013Trp). This variant is present in population databases (rs183278638, gnomAD 0.1%), and has an allele count higher than expected for a pathogenic variant. This missense change has been observed in individual(s) with Bardet-Biedl syndrome (PMID: 29156830). It has also been observed to segregate with disease in related individuals. Invitae Evidence Modeling of protein sequence and biophysical properties (such as structural, functional, and spatial information, amino acid conservation, physicochemical variation, residue mobility, and thermodynamic stability) indicates that this missense variant is expected to disrupt FBN3 protein function with a positive predictive value of 80%. In summary, the available evidence is currently insufficient to determine the role of this variant in disease. Therefore, it has been classified as a Variant of Uncertain Significance.

Literature cited by the submitters: PubMed 29156830.

NM_032447.5(FBN3):c.6037C>T (p.Arg2013Trp)

Gene: FBN3 (fibrillin 3; minus strand). Cytogenetic location: 19p13.2.
Variant type: single nucleotide variant.
Coding change: c.6037C>T on transcript NM_032447.5 (MANE Select); coding-DNA position 6037, C replaced by T.
Protein change: p.Arg2013Trp; replaces arginine 2013 with tryptophan.
Molecular consequence: missense variant.
Genome position (GRCh38, 1-based): chr19:8,090,246, G>A on the plus strand (C>T on the coding strand, the complement: FBN3 is on the minus strand). VCF-style: chr19-8090246-G-A. GRCh37 (hg19) VCF-style: chr19-8155130-G-A.
Other names: c.6037C>T, p.Arg2013Trp (NM_001321431.2); short protein forms R2013W.
Identifiers: ClinVar variation 4710488 (VCV004710488.1).